The following is an entry in ClinVar:

ClinVar aggregate classification (germline): Conflicting classifications of pathogenicity. Review status: criteria provided, conflicting classifications (1 of 4 stars). 4 submissions from 4 submitters: Uncertain significance (3); Likely benign (1). Last evaluated 2024-09-05.

Conditions:
Cardiovascular phenotype. Identifiers: MedGen CN230736.

Allele frequency attached by ClinVar (database versions not stated): TOPMed 0.00002; gnomAD 0.00005; ExAC 0.00006; gnomAD exomes 0.00011.
gnomAD v4.1: 171 of 1,613,144 alleles (0.011%); highest among the groups gnomAD compares: Non-Finnish European, 0.0098%; 1 homozygote.

Submissions (4):

Blueprint Genetics
Classification: Likely benign. Last evaluated: 2024-09-05. Review status: criteria provided, single submitter. Criteria: ACMG Guidelines, 2015. Collection method: clinical testing. Allele origin: germline.

Revvity Omics, Revvity
Classification: Uncertain significance. Last evaluated: 2023-11-17. Review status: criteria provided, single submitter. Criteria: ACMG Guidelines, 2015. Collection method: clinical testing. Allele origin: germline.

ARUP Laboratories, Molecular Genetics and Genomics, ARUP Laboratories
Classification: Uncertain significance. Last evaluated: 2023-10-09. Review status: criteria provided, single submitter. Criteria: ARUP Molecular Germline Variant Investigation Process 2024. Collection method: clinical testing. Allele origin: germline.

Ambry Genetics
Classification: Uncertain significance for Cardiovascular phenotype. Last evaluated: 2020-01-22. Review status: criteria provided, single submitter. Criteria: Ambry Variant Classification Scheme 2023. Collection method: clinical testing. Allele origin: germline.
Comment: The p.I12627V variant (also known as c.37879A>G), located in coding exon 138 of the TTN gene, results from an A to G substitution at nucleotide position 37879. The isoleucine at codon 12627 is replaced by valine, an amino acid with highly similar properties. This amino acid position is poorly conserved in available vertebrate species. In addition, this alteration is predicted to be tolerated by in silico analysis. Since supporting evidence is limited at this time, the clinical significance of this alteration remains unclear.

NM_001267550.2(TTN):c.65074A>G (p.Ile21692Val)

Genes: TTN (titin; minus strand), TTN-AS1 (TTN antisense RNA 1; plus strand). Cytogenetic location: 2q31.2.
Variant type: single nucleotide variant.
Coding change: c.65074A>G on transcript NM_001267550.2 (MANE Select); coding-DNA position 65074, A replaced by G.
Protein change: p.Ile21692Val; replaces isoleucine 21692 with valine.
Molecular consequence: missense variant.
Genome position (GRCh38, 1-based): chr2:178,584,477, T>C on the plus strand (A>G on the coding strand, the complement: TTN is on the minus strand). VCF-style: chr2-178584477-T-C. GRCh37 (hg19) VCF-style: chr2-179449204-T-C.
Other names: c.60151A>G, p.Ile20051Val (NM_001256850.1); c.37879A>G, p.Ile12627Val (NM_003319.4); c.57370A>G, p.Ile19124Val (NM_133378.4); c.38254A>G, p.Ile12752Val (NM_133432.3); c.38455A>G, p.Ile12819Val (NM_133437.4); short protein forms I21692V, I12819V, I19124V, I12752V, I20051V, I12627V.
Identifiers: ClinVar variation 1734892 (VCV001734892.5), dbSNP rs758476009, ClinGen allele CA1991785.